The following is an entry in ClinVar:

ClinVar aggregate classification (germline): Pathogenic (1 of 4 stars; one submission).

Conditions:
Cataract 36. Identifiers: MedGen C3151304, MONDO:0013484, OMIM 613887.

Submission:

Labcorp Genetics (formerly Invitae), Labcorp
Classification: Pathogenic for Cataract 36. Last evaluated: 2025-06-22. Review status: criteria provided, single submitter. Criteria: Invitae Variant Classification Sherloc (09022015). Collection method: clinical testing. Allele origin: germline.
Comment: This sequence change creates a premature translational stop signal (p.Met942Trpfs*4) in the TDRD7 gene. It is expected to result in an absent or disrupted protein product. Loss-of-function variants in TDRD7 are known to be pathogenic (PMID: 21436445, 28418495, 31048812). This variant is not present in population databases (gnomAD no frequency). This variant has not been reported in the literature in individuals affected with TDRD7-related conditions. Algorithms developed to predict the effect of sequence changes on RNA splicing suggest that this variant may disrupt the consensus splice site. For these reasons, this variant has been classified as Pathogenic.

Literature cited by the submitters: PubMed 21436445; PubMed 28418495; PubMed 31048812.

NM_014290.3(TDRD7):c.2823del (p.Met942fs)

Gene: TDRD7 (tudor domain containing 7; plus strand). Cytogenetic location: 9q22.33.
Variant type: Deletion.
Coding change: c.2823del on transcript NM_014290.3 (MANE Select); coding-DNA position 2823, one base deleted (G; older notation c.2823delG).
Protein change: p.Met942fs; shifts the reading frame from methionine 942.
Molecular consequence: frameshift variant.
Genome position (GRCh38, 1-based): chr9:97,483,259, G deleted. VCF-style (leftmost placement, unchanged base first): chr9-97483258-TG-T. GRCh37 (hg19) VCF-style: chr9-100245540-TG-T.
Other names: c.2601del, p.Met868fs (NM_001302884.2); short protein forms M942fs, M868fs.
Identifiers: ClinVar variation 4720913 (VCV004720913.1).